The following is an entry in ClinVar:

ClinVar aggregate classification (germline): Pathogenic (1 of 4 stars; one submission).

Submission:

Labcorp Genetics (formerly Invitae), Labcorp
Classification: Pathogenic. Last evaluated: 2023-11-21. Review status: criteria provided, single submitter. Criteria: Invitae Variant Classification Sherloc (09022015). Collection method: clinical testing. Allele origin: germline.
Comment: This sequence change creates a premature translational stop signal (p.Ile962Lysfs*12) in the TJP2 gene. It is expected to result in an absent or disrupted protein product. Loss-of-function variants in TJP2 are known to be pathogenic (PMID: 24614073, 25921221, 28039895). This variant is not present in population databases (gnomAD no frequency). This variant has not been reported in the literature in individuals affected with TJP2-related conditions. For these reasons, this variant has been classified as Pathogenic.

Literature cited by the submitters: PubMed 24614073; PubMed 25921221; PubMed 28039895.

NM_004817.4(TJP2):c.2885del (p.Ile962fs)

Gene: TJP2 (tight junction protein 2; plus strand). Cytogenetic location: 9q21.11.
Variant type: Deletion.
Coding change: c.2885del on transcript NM_004817.4 (MANE Select); coding-DNA position 2885, one base deleted (T; older notation c.2885delT).
Protein change: p.Ile962fs; shifts the reading frame from isoleucine 962.
Molecular consequence: frameshift variant. On other transcripts: intron variant (6).
Genome position (GRCh38, 1-based): chr9:69,249,379, T deleted. VCF-style (leftmost placement, unchanged base first): chr9-69249378-AT-A. GRCh37 (hg19) VCF-style: chr9-71864294-AT-A.
Other names: c.2978del, p.Ile993fs (NM_001170416.2); c.2810del, p.Ile937fs (NM_001369870.1); c.2816del, p.Ile939fs (NM_001369871.1); c.2897del, p.Ile966fs (NM_001369875.1); c.2811+1155del (NM_001170414.2); c.2880+1155del (NM_201629.3, NM_001369872.1); c.2668-1656del (NM_001369873.1); c.2892+1155del (NM_001170415.1, NM_001369874.1); short protein forms I966fs, I993fs, I937fs, I939fs, I962fs.
Identifiers: ClinVar variation 2832228 (VCV002832228.3), dbSNP rs2538687943, ClinGen allele CA2739269257.